The following is an entry in ClinVar:

ClinVar aggregate classification (germline): Uncertain significance. Review status: criteria provided, multiple submitters, no conflicts (2 of 4 stars). 3 submissions from 3 submitters: Uncertain significance (3). Last evaluated 2025-12-14.

Conditions:
Inborn genetic diseases. Identifiers: MedGen C0950123, MeSH D030342.

gnomAD v4.1: 36 of 1,578,310 alleles (0.0023%); highest among the groups gnomAD compares: Middle Eastern, 0.05%; no homozygotes.

Submissions (3):

Labcorp Genetics (formerly Invitae), Labcorp
Classification: Uncertain significance. Last evaluated: 2025-12-14. Review status: criteria provided, single submitter. Criteria: Invitae Variant Classification Sherloc (09022015). Collection method: clinical testing. Allele origin: germline.
Comment: This sequence change replaces alanine, which is neutral and non-polar, with glutamic acid, which is acidic and polar, at codon 478 of the TONSL protein (p.Ala478Glu). This variant is present in population databases (rs137885184, gnomAD 0.003%). This variant has not been reported in the literature in individuals affected with TONSL-related conditions. ClinVar contains an entry for this variant (Variation ID: 1347979). Invitae Evidence Modeling of protein sequence and biophysical properties (such as structural, functional, and spatial information, amino acid conservation, physicochemical variation, residue mobility, and thermodynamic stability) indicates that this missense variant is not expected to disrupt TONSL protein function with a negative predictive value of 80%. In summary, the available evidence is currently insufficient to determine the role of this variant in disease. Therefore, it has been classified as a Variant of Uncertain Significance.

Ambry Genetics
Classification: Uncertain significance for Inborn genetic diseases. Last evaluated: 2021-09-27. Review status: criteria provided, single submitter. Criteria: Ambry Variant Classification Scheme 2023. Collection method: clinical testing. Allele origin: germline.

Breakthrough Genomics
Classification: Uncertain significance. Review status: criteria provided, single submitter. Criteria: ACMG Guidelines, 2015. Collection method: not provided. Allele origin: germline. Inheritance: Autosomal recessive inheritance. Affected: yes.

NM_013432.5(TONSL):c.1433C>A (p.Ala478Glu)

Gene: TONSL (tonsoku like, DNA repair protein; minus strand). Cytogenetic location: 8q24.3.
Variant type: single nucleotide variant.
Coding change: c.1433C>A on transcript NM_013432.5 (MANE Select); coding-DNA position 1433, C replaced by A.
Protein change: p.Ala478Glu; replaces alanine 478 with glutamic acid.
Molecular consequence: missense variant.
Genome position (GRCh38, 1-based): chr8:144,440,068, G>T on the plus strand (C>A on the coding strand, the complement: TONSL is on the minus strand). VCF-style: chr8-144440068-G-T. GRCh37 (hg19) VCF-style: chr8-145665451-G-T.
Other names: c.1433C>A (NM_013432.4); short protein forms A478E.
Identifiers: ClinVar variation 1347979 (VCV001347979.6), dbSNP rs137885184, ClinGen allele CA4943241.